The following is an entry in ClinVar:

NM_001199107.2(TBC1D24):c.458A>C (p.Glu153Ala)

Gene: TBC1D24 (TBC1 domain family member 24; plus strand). Cytogenetic location: 16p13.3.
Variant type: single nucleotide variant.
Coding change: c.458A>C on transcript NM_001199107.2 (MANE Select); coding-DNA position 458, A replaced by C.
Protein change: p.Glu153Ala; replaces glutamic acid 153 with alanine.
Molecular consequence: missense variant.
Genome position (GRCh38, 1-based): chr16:2,496,606, A>C. VCF-style: chr16-2496606-A-C. GRCh37 (hg19) VCF-style: chr16-2546607-A-C.
Other names: c.458A>C, p.Glu153Ala (NM_020705.3); short protein forms E153A.
Identifiers: ClinVar variation 655303 (VCV000655303.9), dbSNP rs1424074905, ClinGen allele CA394376094.

ClinVar aggregate classification (germline): Uncertain significance (1 of 4 stars; one submission).

Conditions:
Autosomal dominant nonsyndromic hearing loss 65. Also called: Deafness, autosomal dominant 65; TBC1D24-Related Autosomal Dominant Nonsyndromic Hearing Loss (DFNA). Identifiers: Orphanet 90635, MedGen C3892048, MONDO:0014470, OMIM 616044.
Developmental and epileptic encephalopathy, 1 (DEE1). Also called: Epileptic encephalopathy, early infantile, 1; X-linked infantile spasms; West's syndrome; Tonic spasms with clustering, arrest of psychomotor development and hypsarrhythmia on EEG; X-Linked Infantile Spasm Syndrome; OHTAHARA SYNDROME, X-LINKED. Identifiers: MedGen C3463992, MONDO:0010632, OMIM 308350. Disease mechanism: loss of function.

Submission:

Labcorp Genetics (formerly Invitae), Labcorp
Classification: Uncertain significance for Developmental and epileptic encephalopathy, 1; Autosomal dominant nonsyndromic hearing loss 65. Last evaluated: 2018-07-02. Review status: criteria provided, single submitter. Criteria: Invitae Variant Classification Sherloc (09022015). Collection method: clinical testing. Allele origin: germline.
Comment: In summary, the available evidence is currently insufficient to determine the role of this variant in disease. Therefore, it has been classified as a Variant of Uncertain Significance. Algorithms developed to predict the effect of missense changes on protein structure and function are either unavailable or do not agree on the potential impact of this missense change (SIFT: "Deleterious"; PolyPhen-2: "Possibly Damaging"; Align-GVGD: "Class C0"). This variant has not been reported in the literature in individuals with TBC1D24-related disease. This variant is not present in population databases (ExAC no frequency). This sequence change replaces glutamic acid with alanine at codon 153 of the TBC1D24 protein (p.Glu153Ala). The glutamic acid residue is highly conserved and there is a moderate physicochemical difference between glutamic acid and alanine.